The following is an entry in ClinVar:

ClinVar aggregate classification (germline): Uncertain significance (1 of 4 stars; one submission).

Conditions:
Familial thoracic aortic aneurysm and aortic dissection (TAAD). Also called: Thoracic aortic aneurysms and dissections. Identifiers: Orphanet 91387, MedGen C4707243, MONDO:0019625.

Submission:

Ambry Genetics
Classification: Uncertain significance for Familial thoracic aortic aneurysm and aortic dissection. Last evaluated: 2026-05-14. Review status: criteria provided, single submitter. Criteria: Ambry Variant Classification Scheme 2023. Collection method: clinical testing. Allele origin: germline.
Comment: The p.L48M variant (also known as c.142C>A), located in coding exon 1 of the TGFB2 gene, results from a C to A substitution at nucleotide position 142. The leucine at codon 48 is replaced by methionine, an amino acid with highly similar properties. This amino acid position is conserved. In addition, the in silico prediction for this alteration is inconclusive. Based on the available evidence, the clinical significance of this variant remains unclear.

NM_003238.6(TGFB2):c.142C>A (p.Leu48Met)

Gene: TGFB2 (transforming growth factor beta 2; plus strand). Cytogenetic location: 1q41.
Variant type: single nucleotide variant.
Coding change: c.142C>A on transcript NM_003238.6 (MANE Select); coding-DNA position 142, C replaced by A.
Protein change: p.Leu48Met; replaces leucine 48 with methionine.
Molecular consequence: missense variant. On other transcripts: non-coding transcript variant (2).
Genome position (GRCh38, 1-based): chr1:218,346,843, C>A. VCF-style: chr1-218346843-C-A. GRCh37 (hg19) VCF-style: chr1-218520185-C-A.
Other names: c.142C>A, p.Leu48Met (NM_001135599.4); short protein forms L48M.
Identifiers: ClinVar variation 4865646 (VCV004865646.1).
Genomic context (GRCh38, chr1:218,346,843, plus strand): 5'-GATATGGACCAGTTCATGCGCAAGAGGATCGAGGCGATCCGCGGGCAGATCCTGAGCAAG[C>A]TGAAGCTCACCAGTCCCCCAGAAGACTATCCTGAGCCCGAGGAAGTCCCCCCGGAGGTGA-3'
Protein context (NP_003229.1, residues 38-58): EAIRGQILSK[Leu48Met]KLTSPPEDYP